The following is an entry in ClinVar:

ClinVar aggregate classification (germline): Uncertain significance. Review status: criteria provided, multiple submitters, no conflicts (2 of 4 stars). 2 submissions from 2 submitters: Uncertain significance (2). Last evaluated 2024-11-28.

Allele frequency attached by ClinVar (database versions not stated): TOPMed 0.00004; gnomAD exomes 0.00011; ExAC 0.00013; gnomAD 0.00014.
gnomAD v4.1: 179 of 1,614,184 alleles (0.011%); highest among the groups gnomAD compares: Non-Finnish European, 0.013%; no homozygotes.

Submissions (2):

Blueprint Genetics
Classification: Uncertain significance. Last evaluated: 2024-11-28. Review status: criteria provided, single submitter. Criteria: ACMG Guidelines, 2015. Collection method: clinical testing. Allele origin: germline.

Labcorp Genetics (formerly Invitae), Labcorp
Classification: Uncertain significance. Last evaluated: 2023-11-25. Review status: criteria provided, single submitter. Criteria: Invitae Variant Classification Sherloc (09022015). Collection method: clinical testing. Allele origin: germline.
Comment: This sequence change replaces glutamine, which is neutral and polar, with arginine, which is basic and polar, at codon 882 of the SIPA1L3 protein (p.Gln882Arg). This variant is present in population databases (rs772157860, gnomAD 0.03%). This variant has not been reported in the literature in individuals affected with SIPA1L3-related conditions. An algorithm developed to predict the effect of missense changes on protein structure and function (PolyPhen-2) suggests that this variant is likely to be tolerated. In summary, the available evidence is currently insufficient to determine the role of this variant in disease. Therefore, it has been classified as a Variant of Uncertain Significance.

NM_015073.3(SIPA1L3):c.2645A>G (p.Gln882Arg)

Gene: SIPA1L3 (signal induced proliferation associated 1 like 3; plus strand). Cytogenetic location: 19q13.13.
Variant type: single nucleotide variant.
Coding change: c.2645A>G on transcript NM_015073.3 (MANE Select); coding-DNA position 2645, A replaced by G.
Protein change: p.Gln882Arg; replaces glutamine 882 with arginine.
Molecular consequence: missense variant.
Genome position (GRCh38, 1-based): chr19:38,119,659, A>G. VCF-style: chr19-38119659-A-G. GRCh37 (hg19) VCF-style: chr19-38610299-A-G.
Other names: short protein forms Q882R.
Identifiers: ClinVar variation 2703634 (VCV002703634.4), dbSNP rs772157860, ClinGen allele CA9409744.